The following is an entry in ClinVar:

NM_001029883.3(PCARE):c.2967del (p.Val990fs)

Gene: PCARE (photoreceptor cilium actin regulator; minus strand). Cytogenetic location: 2p23.2.
Variant type: Deletion.
Coding change: c.2967del on transcript NM_001029883.3 (MANE Select); coding-DNA position 2967, one base deleted (T; older notation c.2967delT).
Protein change: p.Val990fs; shifts the reading frame from valine 990.
Molecular consequence: frameshift variant.
Genome position (GRCh38, 1-based): chr2:29,071,295, A deleted on the plus strand (T on the coding strand, the reverse complement: PCARE is on the minus strand). VCF-style (leftmost placement, unchanged base first): chr2-29071294-CA-C. GRCh37 (hg19) VCF-style: chr2-29294160-CA-C.
Other names: c.2967delT (NM_001029883.2); short protein forms V990fs.
Identifiers: ClinVar variation 979001 (VCV000979001.6), dbSNP rs1667476173, ClinGen allele CA1139656793.

ClinVar aggregate classification (germline): Pathogenic/Likely pathogenic. Review status: criteria provided, multiple submitters, no conflicts (2 of 4 stars). 4 submissions from 4 submitters: Pathogenic (1); Likely pathogenic (1). 2 of the submissions do not count toward it. Last evaluated 2024-10-04.

Conditions:
PCARE-related disorder. Also called: PCARE-related condition.
Retinitis pigmentosa 54 (RP54). Identifiers: Orphanet 791, MedGen C3150691, MONDO:0013263, OMIM 613428.
Autosomal recessive retinitis pigmentosa. Identifiers: MedGen C0339526.

Submissions (4):

Dubai Health Genomic Medicine Center, Dubai Health
Classification: Likely pathogenic for Retinitis pigmentosa 54. Last evaluated: 2024-10-04. Review status: criteria provided, single submitter. Criteria: ACMG Guidelines, 2015. Collection method: research. Allele origin: germline. Affected: yes.
Comment: PVS1,PM2

DBGen Ocular Genomics
Classification: Pathogenic for Retinitis pigmentosa 54. Last evaluated: 2021-06-18. Review status: criteria provided, single submitter. Criteria: ACMG Guidelines, 2015. Collection method: clinical testing. Allele origin: germline. Affected: yes. Observed: 1 variant allele.

PreventionGenetics, part of Exact Sciences
Classification: Pathogenic for PCARE-related condition. Last evaluated: 2024-02-21. Review status: no assertion criteria provided. Collection method: clinical testing. Allele origin: germline. Not counted in ClinVar's aggregate classification.
Comment: The PCARE c.2967delT variant is predicted to result in a frameshift and premature protein termination (p.Val990Trpfs*45). This variant was reported in the homozygous state in an individual with a PCARE associated phenotype (Khan. 2020. PubMed ID: 31725702). This variant has not been reported in a large population database, indicating this variant is rare. Frameshift variants in PCARE are expected to be pathogenic. This variant is interpreted as pathogenic.

Faculty of Health Sciences, Beirut Arab University
Classification: Pathogenic for Autosomal recessive Retinitis Pigmentosa. Last evaluated: 2019-11-08. Review status: no assertion criteria provided. Collection method: literature only. Allele origin: germline. Affected: yes. Observed: 1 variant allele. Not counted in ClinVar's aggregate classification.

Literature cited by the submitters: PubMed 31725702 (cited by Faculty of Health Sciences, Beirut Arab University).